The following is an entry in ClinVar:

NM_152618.3(BBS12):c.2100T>C (p.Asn700=)

Gene: BBS12 (Bardet-Biedl syndrome 12; plus strand). Cytogenetic location: 4q27.
Variant type: single nucleotide variant.
Coding change: c.2100T>C on transcript NM_152618.3 (MANE Select); coding-DNA position 2100, T replaced by C.
Protein change: p.Asn700=; no amino-acid change (asparagine 700 retained).
Molecular consequence: synonymous variant.
Genome position (GRCh38, 1-based): chr4:122,743,992, T>C. VCF-style: chr4-122743992-T-C. GRCh37 (hg19) VCF-style: chr4-123665147-T-C.
Other names: c.2100T>C, p.Asn700= (NM_001178007.2).
Identifiers: ClinVar variation 347506 (VCV000347506.21), dbSNP rs145847043, ClinGen allele CA3069566.

ClinVar aggregate classification (germline): Conflicting classifications of pathogenicity. Review status: criteria provided, conflicting classifications (1 of 4 stars). 5 submissions from 5 submitters: Uncertain significance (1); Likely benign (3). 1 of the submissions does not count toward it. Last evaluated 2026-08-01.

Conditions:
Bardet-Biedl syndrome 12 (BBS12). Identifiers: Orphanet 110, MedGen C1859570, MONDO:0014440, OMIM 615989.
Bardet-Biedl syndrome (BBS). Identifiers: Orphanet 110, MedGen C0752166, MONDO:0015229.

Allele frequency attached by ClinVar (database versions not stated): gnomAD 0.00004 and 0.00005; TOPMed 0.00004; gnomAD exomes 0.00005 and 0.00009; ESP Exome Variant Server 0.00008; ExAC 0.00011.
gnomAD v4.1: 87 of 1,613,970 alleles (0.0054%); highest among the groups gnomAD compares: Middle Eastern, 0.082%; no homozygotes.

Submissions (5):

CeGaT Center for Human Genetics Tuebingen
Classification: Likely benign. Last evaluated: 2026-08-01. Review status: criteria provided, single submitter. Criteria: CeGaT Center For Human Genetics Tuebingen Variant Classification Criteria Version 2. Collection method: clinical testing. Allele origin: germline. Affected: yes. Observed: 1 variant allele.
Comment: BBS12: BP4, BP7

Labcorp Genetics (formerly Invitae), Labcorp
Classification: Likely benign for Bardet-Biedl syndrome. Last evaluated: 2026-01-26. Review status: criteria provided, single submitter. Criteria: Invitae Variant Classification Sherloc (09022015). Collection method: clinical testing. Allele origin: germline.

Blueprint Genetics
Classification: Likely benign. Last evaluated: 2024-06-14. Review status: criteria provided, single submitter. Criteria: ACMG Guidelines, 2015. Collection method: clinical testing. Allele origin: germline.

Illumina Laboratory Services, Illumina
Classification: Uncertain significance for Bardet-Biedl syndrome 12. Last evaluated: 2018-01-13. Review status: criteria provided, single submitter. Criteria: ICSL Variant Classification Criteria 13 December 2019. Collection method: clinical testing. Allele origin: germline.

Natera, Inc.
Classification: Likely benign for Bardet-Biedl syndrome type 12. Last evaluated: 2020-11-17. Review status: no assertion criteria provided. Collection method: clinical testing. Allele origin: germline. Not counted in ClinVar's aggregate classification.